The following is an entry in ClinVar:

NM_001852.4(COL9A2):c.185C>T (p.Pro62Leu)

Gene: COL9A2 (collagen type IX alpha 2 chain; minus strand). Cytogenetic location: 1p34.2.
Variant type: single nucleotide variant.
Coding change: c.185C>T on transcript NM_001852.4 (MANE Select); coding-DNA position 185, C replaced by T.
Protein change: p.Pro62Leu; replaces proline 62 with leucine.
Molecular consequence: missense variant.
Genome position (GRCh38, 1-based): chr1:40,314,353, G>A on the plus strand (C>T on the coding strand, the complement: COL9A2 is on the minus strand). VCF-style: chr1-40314353-G-A. GRCh37 (hg19) VCF-style: chr1-40780025-G-A.
Other names: short protein forms P62L.
Identifiers: ClinVar variation 876390 (VCV000876390.16), dbSNP rs767523458, ClinGen allele CA792086.

ClinVar aggregate classification (germline): Conflicting classifications of pathogenicity. Review status: criteria provided, conflicting classifications (1 of 4 stars). 4 submissions from 4 submitters: Uncertain significance (3); Likely benign (1). Last evaluated 2026-01-13.

Conditions:
Epiphyseal dysplasia, multiple, 2 (EDM2). Also called: COL9A2-Related Multiple Epiphyseal Dysplasia. Identifiers: MedGen C1838429, MONDO:0010844, OMIM 600204.

Allele frequency attached by ClinVar (database versions not stated): ExAC 0.00006; gnomAD exomes 0.00006 and 0.00009; gnomAD 0.00007; TOPMed 0.00008.
gnomAD v4.1: 95 of 1,614,058 alleles (0.0059%); highest among the groups gnomAD compares: Middle Eastern, 0.049%; 2 homozygotes.

Submissions (4):

Labcorp Genetics (formerly Invitae), Labcorp
Classification: Uncertain significance. Last evaluated: 2026-01-13. Review status: criteria provided, single submitter. Criteria: Invitae Variant Classification Sherloc (09022015). Collection method: clinical testing. Allele origin: germline.
Comment: This sequence change replaces proline, which is neutral and non-polar, with leucine, which is neutral and non-polar, at codon 62 of the COL9A2 protein (p.Pro62Leu). This variant is present in population databases (rs767523458, gnomAD 0.03%). This missense change has been observed in individual(s) with short stature and skeletal abnormalities (PMID: 35250876). ClinVar contains an entry for this variant (Variation ID: 876390). An algorithm developed to predict the effect of missense changes on protein structure and function outputs the following: PolyPhen-2: "Not Available". The leucine amino acid residue is found in multiple mammalian species, which suggests that this missense change does not adversely affect protein function. In summary, the available evidence is currently insufficient to determine the role of this variant in disease. Therefore, it has been classified as a Variant of Uncertain Significance.

GeneDx
Classification: Uncertain significance. Last evaluated: 2024-12-02. Review status: criteria provided, single submitter. Criteria: GeneDx Variant Classification Process June 2021. Collection method: clinical testing. Allele origin: germline. Affected: yes.
Comment: Reported in a child with short stature, skeletal abnormalities, and blue sclera (PMID: 35250876); In silico analysis supports that this missense variant has a deleterious effect on protein structure/function; This variant is associated with the following publications: (PMID: 35250876)

Women's Health and Genetics/Laboratory Corporation of America, LabCorp
Classification: Uncertain significance. Last evaluated: 2024-06-11. Review status: criteria provided, single submitter. Criteria: LabCorp Variant Classification Summary - May 2015. Collection method: clinical testing. Allele origin: germline.
Comment: Variant summary: COL9A2 c.185C>T (p.Pro62Leu) results in a non-conservative amino acid change in the encoded protein sequence. Three of five in-silico tools predict a damaging effect of the variant on protein function. Consensus agreement among computation tools predict no significant impact on normal splicing. However, these predictions have yet to be confirmed by functional studies. The variant allele was found at a frequency of 8.7e-05 in 251458 control chromosomes. This frequency is not significantly higher than estimated for a pathogenic variant in COL9A2 causing multiple Epiphyseal dysplasia 2, allowing no conclusion about variant significance. c.185C>T has been reported in the literature in an individual with short stature and mild skeletal abnormalities (Chen_2022). This report does not provide unequivocal conclusions about association of the variant with multiple Epiphyseal dysplasia 2. To our knowledge, no experimental evidence demonstrating an impact on protein function has been reported. The following publication has been ascertained in the context of this evaluation (PMID: 35250876). ClinVar contains an entry for this variant (Variation ID: 876390). Based on the evidence outlined above, the variant was classified as uncertain significance.

Illumina Laboratory Services, Illumina
Classification: Likely benign for Epiphyseal dysplasia, multiple, 2. Last evaluated: 2018-01-12. Review status: criteria provided, single submitter. Criteria: ICSL Variant Classification Criteria 13 December 2019. Collection method: clinical testing. Allele origin: germline.
Comment: This variant was observed in the ICSL laboratory as part of a predisposition screen in an ostensibly healthy population. It had not been previously curated by ICSL or reported in the Human Gene Mutation Database (HGMD: prior to June 1st, 2018), and was therefore a candidate for classification through an automated scoring system. Utilizing variant allele frequency, disease prevalence and penetrance estimates, and inheritance mode, an automated score was calculated to assess if this variant is too frequent to cause the disease. Based on the score and internal cut-off values, a variant classified as likely benign is not then subjected to further curation. The score for this variant resulted in a classification of likely benign for this disease.

Literature cited by the submitters: PubMed 35250876 (cited by Labcorp Genetics (formerly Invitae), Labcorp and Women's Health and Genetics/Laboratory Corporation of America, LabCorp).